The following is an entry in ClinVar:

ClinVar aggregate classification (germline): Pathogenic/Likely pathogenic. Review status: criteria provided, multiple submitters, no conflicts (2 of 4 stars). 4 submissions from 4 submitters: Pathogenic (2); Likely pathogenic (2). Last evaluated 2026-07-20.

Conditions:
Charcot-Marie-Tooth disease axonal type 2T. Identifiers: Orphanet 443950, MedGen C4015635, OMIM 617017, MONDO:0014866.

Allele frequency attached by ClinVar (database versions not stated): TOPMed below 0.00001; ExAC 0.00001; gnomAD 0.00001; gnomAD exomes 0.00001.
gnomAD v4.1: 9 of 1,611,398 alleles (0.00056%); highest among the groups gnomAD compares: East Asian, 0.011%; no homozygotes.

Submissions (4):

GeneDx
Classification: Likely pathogenic. Last evaluated: 2026-07-20. Review status: criteria provided, single submitter. Criteria: GeneDx Variant Classification Process June 2021. Collection method: clinical testing. Allele origin: germline.
Comment: Reported previously in the heterozygous state in patients with later-onset features including abnormal gait, sensory loss in feet, limb weakness and abnormal DTRs (PMID: 39251209); Nonsense variant predicted to result in protein truncation or nonsense mediated decay in a gene for which loss of function is a known mechanism of disease; This variant is associated with the following publications: (PMID: 31589614, 39251209)

Mayo Clinic Laboratories, Mayo Clinic
Classification: Likely pathogenic. Last evaluated: 2024-07-19. Review status: criteria provided, single submitter. Criteria: ACMG Guidelines, 2015. Collection method: clinical testing. Allele origin: germline. Observed: 1 variant allele.
Comment: PM2, PVS1

Labcorp Genetics (formerly Invitae), Labcorp
Classification: Pathogenic. Last evaluated: 2024-04-18. Review status: criteria provided, single submitter. Criteria: Invitae Variant Classification Sherloc (09022015). Collection method: clinical testing. Allele origin: germline.
Comment: This sequence change creates a premature translational stop signal (p.Arg293*) in the MME gene. It is expected to result in an absent or disrupted protein product. Loss-of-function variants in MME are known to be pathogenic (PMID: 26991897). This variant is present in population databases (rs764060752, gnomAD 0.006%). This variant has not been reported in the literature in individuals affected with MME-related conditions. ClinVar contains an entry for this variant (Variation ID: 451188). For these reasons, this variant has been classified as Pathogenic.

Juno Genomics, Hangzhou Juno Genomics, Inc
Classification: Pathogenic for Charcot-Marie-Tooth disease axonal type 2T. Review status: criteria provided, single submitter. Criteria: ACMG Guidelines, 2015. Collection method: clinical testing. Allele origin: germline.
Comment: Absent from controls (or at extremely low frequency if recessive) in Genome Aggregation Database.;Null variant in a gene where loss of function (LOF) is a known mechanism of disease.;For recessive disorders, detected in trans with a pathogenic variant.

Literature cited by the submitters: PubMed 26991897 (cited by Mayo Clinic Laboratories, Mayo Clinic and Labcorp Genetics (formerly Invitae), Labcorp); PubMed 31589614 (cited by Mayo Clinic Laboratories, Mayo Clinic).

NM_007289.4(MME):c.877C>T (p.Arg293Ter)

Gene: MME (membrane metalloendopeptidase; plus strand). Cytogenetic location: 3q25.2.
Variant type: single nucleotide variant.
Coding change: c.877C>T on transcript NM_007289.4 (MANE Select); coding-DNA position 877, C replaced by T.
Protein change: p.Arg293Ter; replaces arginine 293 with a stop codon.
Molecular consequence: nonsense.
Genome position (GRCh38, 1-based): chr3:155,140,212, C>T. VCF-style: chr3-155140212-C-T. GRCh37 (hg19) VCF-style: chr3-154858001-C-T.
Other names: p.Arg293*; c.877C>T (NM_007289.3); c.877C>T, p.Arg293Ter (NM_000902.5, NM_001354642.2, NM_001354643.1 and 2 more transcripts); short protein forms R293*.
Identifiers: ClinVar variation 451188 (VCV000451188.13), dbSNP rs764060752, ClinGen allele CA2675316.